The following is an entry in ClinVar:

ClinVar aggregate classification (germline): Conflicting classifications of pathogenicity. Review status: criteria provided, conflicting classifications (1 of 4 stars). 4 submissions from 4 submitters: Uncertain significance (1); Likely benign (2). 1 of the submissions does not count toward it. Last evaluated 2026-01-25.

Conditions:
ADGRG1-related disorder. Also called: ADGRG1-related condition.

Allele frequency attached by ClinVar (database versions not stated): TOPMed 0.00104; 1000 Genomes Project 0.00120; 1000 Genomes Project 30x 0.00156; gnomAD exomes 0.00009 and 0.00018; ExAC 0.00021; ESP Exome Variant Server 0.00085; gnomAD 0.00088 and 0.00094.
gnomAD v4.1: 270 of 1,614,242 alleles (0.017%); highest among the groups gnomAD compares: African/African-American, 0.34%; 1 homozygote.

Submissions (4):

Labcorp Genetics (formerly Invitae), Labcorp
Classification: Likely benign. Last evaluated: 2026-01-25. Review status: criteria provided, single submitter. Criteria: Invitae Variant Classification Sherloc (09022015). Collection method: clinical testing. Allele origin: germline.

GeneDx
Classification: Likely benign. Last evaluated: 2019-10-16. Review status: criteria provided, single submitter. Criteria: GeneDx Variant Classification Process June 2021. Collection method: clinical testing. Allele origin: germline. Affected: yes.

Eurofins Ntd Llc (ga)
Classification: Uncertain significance. Last evaluated: 2016-01-21. Review status: criteria provided, single submitter. Criteria: EGL Classification Definitions 2015. Collection method: clinical testing. Allele origin: germline. Observed: 1 variant allele, 1 heterozygote.

PreventionGenetics, part of Exact Sciences
Classification: Likely benign for ADGRG1-related condition. Last evaluated: 2019-11-18. Review status: no assertion criteria provided. Collection method: clinical testing. Allele origin: germline. Not counted in ClinVar's aggregate classification.
Comment: This variant is classified as likely benign based on ACMG/AMP sequence variant interpretation guidelines (Richards et al. 2015 PMID: 25741868, with internal and published modifications).

NM_201525.4(ADGRG1):c.243C>T (p.Phe81=)

Gene: ADGRG1 (adhesion G protein-coupled receptor G1; plus strand). Cytogenetic location: 16q21.
Variant type: single nucleotide variant.
Coding change: c.243C>T on transcript NM_201525.4 (MANE Select); coding-DNA position 243, C replaced by T.
Protein change: p.Phe81=; no amino-acid change (phenylalanine 81 retained).
Molecular consequence: synonymous variant. On other transcripts: 5 prime UTR variant (5), intron variant (1).
Genome position (GRCh38, 1-based): chr16:57,651,378, C>T. VCF-style: chr16-57651378-C-T. GRCh37 (hg19) VCF-style: chr16-57685290-C-T.
Other names: c.243C>T, p.Phe81= (NM_001145770.3, NM_001145771.3, NM_001145772.3 and 16 more transcripts); c.258C>T, p.Phe86= (NM_001145773.3, NM_001370433.1); c.-283C>T (NM_001290143.2, NM_001290144.2, NM_001370451.1 and 2 more transcripts); c.87C>T, p.Phe29= (NM_001370442.1); c.110+133C>T (NM_001290142.2).
Identifiers: ClinVar variation 285524 (VCV000285524.21), dbSNP rs58068378, ClinGen allele CA8078325.
Genomic context (GRCh38, chr16:57,651,378, plus strand): 5'-CGAAGAGGCCCTCACAGTCCATGCCCCTTTCCCTGCAGCCCACCCTGCTTCCCGATCCTT[C>T]CCTGACCCCAGGGGCCTCTACCACTTCTGCCTCTACTGGAACCGACATGCTGGGAGATTA-3'
Protein context (NP_958933.1, residues 71-91): FPAAHPASRS[Phe81=]PDPRGLYHFC